The following is an entry in ClinVar:

ClinVar aggregate classification (germline): Pathogenic (1 of 4 stars; one submission).

Submission:

Quest Diagnostics Nichols Institute San Juan Capistrano
Classification: Pathogenic. Last evaluated: 2024-05-02. Review status: criteria provided, single submitter. Criteria: ACMG/ClinGen CNV Guidelines, 2019. Collection method: clinical testing. Allele origin: unknown.
Comment: This loss involves multiple protein-coding genes, including NOTCH1 (OMIM 190198). Haploinsufficiency of NOTCH1 is associated with autosomal dominant Adams-Oliver syndrome-5 (AOS5; OMIM 616028; ISCA-14212; Southgate 2015, Stittrich 2014). In addition, heterozygous missense and loss-of-function variants of NOTCH1 are associated with a spectrum of cardiac anomalies including autosomal dominant aortic valve disease-1 (AOVD1; OMIM 109730, Garg 2005, Kerstjens-Frederikse 2016, Roifman 2021, Sun 2020, Torres-Juan 2023, Debiec 2022). While there are multiple similar copy number losses of this region in the general populations of the Database of Genomic Variants, these are likely explained by the reduced penetrance associated with NOTCH1 phenotypes. Therefore, this copy number variant (CNV) is classified as pathogenic. References: Debiec et al., Heart. 2022 Jun 24;108(14):1114-1120. PMID: 35288444; Garg et al., Nature. 2005 Sep 8;437(7056):270-4. PMID: 16025100; Kerstjens-Frederikse et al., Genet Med. 2016 Sep;18(9):914-23. PMID: 26820064; Roifman et al., Clin Genet. 2021 Jun;99(6):836-841. PMID: 33630301; Southgate et al., Circ Cardiovasc Genet. 2015 Aug;8(4):572-581. PMID: 25963545; Stittrich et al., Am J Hum Genet. 2014 Sep 4;95(3):275-84. PMID: 25132448; Sun et al., Ultrasound Obstet Gynecol. 2020 Aug;56(2):225-232. PMID: 31633846; Torres-Juan et al., Int J Mol Sci. 2023 May 12;24(10):8644. PMID: 37239988

GRCh37/hg19 9q34.3(chr9:139252991-139455121)x1

Genes: C9orf163 (chromosome 9 putative open reading frame 163; plus strand), CARD9 (caspase recruitment domain family member 9; minus strand), DNLZ (DNL-type zinc finger; minus strand), ENTR1 (endosome associated trafficking regulator 1; minus strand), GPSM1 (G protein signaling modulator 1; plus strand) and 5 more. Cytogenetic location: 9q34.3.
Variant type: copy number loss.
Change: copy number 1 (one copy instead of two) of chr9:139,252,991-139,455,121 (202.1 kb, GRCh37 coordinates, 1-based), cytogenetic band 9q34.3.
Identifiers: ClinVar variation 3391906 (VCV003391906.1).